The following is an entry in ClinVar:

ClinVar aggregate classification (germline): Uncertain significance (1 of 4 stars; one submission).

Submission:

Labcorp Genetics (formerly Invitae), Labcorp
Classification: Uncertain significance. Last evaluated: 2024-04-15. Review status: criteria provided, single submitter. Criteria: Invitae Variant Classification Sherloc (09022015). Collection method: clinical testing. Allele origin: germline.
Comment: This sequence change replaces glutamic acid, which is acidic and polar, with glutamine, which is neutral and polar, at codon 847 of the ATP1A1 protein (p.Glu847Gln). This variant is not present in population databases (gnomAD no frequency). This variant has not been reported in the literature in individuals affected with ATP1A1-related conditions. Advanced modeling of protein sequence and biophysical properties (such as structural, functional, and spatial information, amino acid conservation, physicochemical variation, residue mobility, and thermodynamic stability) performed at Invitae indicates that this missense variant is not expected to disrupt ATP1A1 protein function with a negative predictive value of 80%. In summary, the available evidence is currently insufficient to determine the role of this variant in disease. Therefore, it has been classified as a Variant of Uncertain Significance.

NM_000701.8(ATP1A1):c.2539G>C (p.Glu847Gln)

Genes: ATP1A1 (ATPase Na+/K+ transporting subunit alpha 1; plus strand), ATP1A1-AS1 (ATP1A1 antisense RNA 1; minus strand). Cytogenetic location: 1p13.1.
Variant type: single nucleotide variant.
Coding change: c.2539G>C on transcript NM_000701.8 (MANE Select); coding-DNA position 2539, G replaced by C.
Protein change: p.Glu847Gln; replaces glutamic acid 847 with glutamine.
Molecular consequence: missense variant.
Genome position (GRCh38, 1-based): chr1:116,399,510, G>C. VCF-style: chr1-116399510-G-C. GRCh37 (hg19) VCF-style: chr1-116942132-G-C.
Other names: c.2539G>C, p.Glu847Gln (NM_001160233.2); c.2446G>C, p.Glu816Gln (NM_001160234.2); short protein forms E847Q, E816Q.
Identifiers: ClinVar variation 3650038 (VCV003650038.2).